The following is an entry in ClinVar:

ClinVar aggregate classification (germline): Uncertain significance (1 of 4 stars; one submission).

Allele frequency attached by ClinVar (database versions not stated): gnomAD exomes below 0.00001.
gnomAD v4.1: 1 of 1,613,634 alleles (0.000062%); highest among the groups gnomAD compares: African/African-American, 0.0013%; no homozygotes.

Submission:

Labcorp Genetics (formerly Invitae), Labcorp
Classification: Uncertain significance. Last evaluated: 2021-08-06. Review status: criteria provided, single submitter. Criteria: Invitae Variant Classification Sherloc (09022015). Collection method: clinical testing. Allele origin: germline.
Comment: In summary, the available evidence is currently insufficient to determine the role of this variant in disease. Therefore, it has been classified as a Variant of Uncertain Significance. Algorithms developed to predict the effect of missense changes on protein structure and function (SIFT, PolyPhen-2, Align-GVGD) all suggest that this variant is likely to be tolerated. This variant has not been reported in the literature in individuals affected with C5-related conditions. This variant is not present in population databases (ExAC no frequency). This sequence change replaces proline with leucine at codon 577 of the C5 protein (p.Pro577Leu). The proline residue is weakly conserved and there is a moderate physicochemical difference between proline and leucine.

NM_001735.3(C5):c.1730C>T (p.Pro577Leu)

Gene: C5 (complement C5; minus strand). Cytogenetic location: 9q33.2.
Variant type: single nucleotide variant.
Coding change: c.1730C>T on transcript NM_001735.3 (MANE Select); coding-DNA position 1730, C replaced by T.
Protein change: p.Pro577Leu; replaces proline 577 with leucine.
Molecular consequence: missense variant.
Genome position (GRCh38, 1-based): chr9:121,017,498, G>A on the plus strand (C>T on the coding strand, the complement: C5 is on the minus strand). VCF-style: chr9-121017498-G-A. GRCh37 (hg19) VCF-style: chr9-123779776-G-A.
Other names: c.1748C>T, p.Pro583Leu (NM_001317163.2); c.1730C>T, p.Pro577Leu (NM_001317164.2); short protein forms P583L, P577L.
Identifiers: ClinVar variation 1510857 (VCV001510857.6), dbSNP rs1270460540, ClinGen allele CA374748289.